The following is an entry in ClinVar:

NM_004371.4(COPA):c.1005T>C (p.Tyr335=)

Gene: COPA (coat protein complex I subunit alpha; minus strand). Cytogenetic location: 1q23.2.
Variant type: single nucleotide variant.
Coding change: c.1005T>C on transcript NM_004371.4 (MANE Select); coding-DNA position 1005, T replaced by C.
Protein change: p.Tyr335=; no amino-acid change (tyrosine 335 retained).
Molecular consequence: synonymous variant.
Genome position (GRCh38, 1-based): chr1:160,311,939, A>G on the plus strand (T>C on the coding strand, the complement: COPA is on the minus strand). VCF-style: chr1-160311939-A-G. GRCh37 (hg19) VCF-style: chr1-160281729-A-G.
Other names: p.Tyr335=; c.1005T>C, p.Tyr335= (LRG_1336t1, NM_001098398.2).
Identifiers: ClinVar variation 476021 (VCV000476021.15), dbSNP rs74125578, ClinGen allele CA1198229.
Genomic context (GRCh38, chr1:160,311,939, plus strand): 5'-CATCACAGCTACATCTTTGGAGCTGTTGAAATCCAGCTGTCGTAAGAATCGGTCCTTGAC[A>G]TAGTGTAGCATATTGCCATGAACAGCATAGGCTGGCCGTTCCCGTTCCAGCTTAAACACA-3'
Protein context (NP_004362.2, residues 325-345): AYAVHGNMLH[Tyr335=]VKDRFLRQLD

ClinVar aggregate classification (germline): Benign. Review status: criteria provided, multiple submitters, no conflicts (2 of 4 stars). 4 submissions from 4 submitters: Benign (4). Last evaluated 2026-02-02.

Conditions:
Autoimmune interstitial lung disease-arthritis syndrome. Also called: Autoinflammation and autoimmunity, systemic, with immune dysregulation. Identifiers: Orphanet 444092, MedGen C5975714, MONDO:0014629.

Allele frequency attached by ClinVar (database versions not stated): gnomAD exomes 0.00108 and 0.00311; ExAC 0.00379; gnomAD 0.01183 and 0.01267; 1000 Genomes Project 0.01298; ESP Exome Variant Server 0.01307; 1000 Genomes Project 30x 0.01327; TOPMed 0.01405.
gnomAD v4.1: 3,483 of 1,614,112 alleles (0.22%); highest among the groups gnomAD compares: African/African-American, 4%; 70 homozygotes.

Submissions (4):

Labcorp Genetics (formerly Invitae), Labcorp
Classification: Benign for Autoimmune interstitial lung disease-arthritis syndrome. Last evaluated: 2026-02-02. Review status: criteria provided, single submitter. Criteria: Invitae Variant Classification Sherloc (09022015). Collection method: clinical testing. Allele origin: germline.

Women's Health and Genetics/Laboratory Corporation of America, LabCorp
Classification: Benign. Last evaluated: 2026-01-22. Review status: criteria provided, single submitter. Criteria: LabCorp Variant Classification Summary - May 2015. Collection method: clinical testing. Allele origin: germline.

Mayo Clinic Laboratories, Mayo Clinic
Classification: Benign. Last evaluated: 2024-05-08. Review status: criteria provided, single submitter. Criteria: ACMG Guidelines, 2015. Collection method: clinical testing. Allele origin: germline. Observed: 2 variant alleles.
Comment: BS1, BS2, BP4, BP7

Breakthrough Genomics
Classification: Benign. Review status: criteria provided, single submitter. Criteria: ACMG Guidelines, 2015. Collection method: not provided. Allele origin: germline. Inheritance: Autosomal dominant inheritance. Affected: yes.